The following is an entry in ClinVar:

ClinVar aggregate classification (germline): Uncertain significance (1 of 4 stars; one submission).

Submission:

Labcorp Genetics (formerly Invitae), Labcorp
Classification: Uncertain significance. Last evaluated: 2023-11-28. Review status: criteria provided, single submitter. Criteria: Invitae Variant Classification Sherloc (09022015). Collection method: clinical testing. Allele origin: germline.
Comment: This variant results in a copy number gain of the genomic region encompassing exon(s) 1 of the YWHAG gene. This region includes the initiator codon of the gene. This copy number gain extends beyond the assayed region for this gene and therefore may encompass additional genes. As the precise location of this event is unknown, it may be in tandem or it may be located elsewhere in the genome. This variant has not been reported in the literature in individuals affected with YWHAG-related conditions. Experimental studies and prediction algorithms are not available or were not evaluated, and the functional significance of this variant is currently unknown. In summary, the available evidence is currently insufficient to determine the role of this variant in disease. Therefore, it has been classified as a Variant of Uncertain Significance.

NC_000007.13:g.(?_75988019)_(75988125_?)dup

Gene: YWHAG (tyrosine 3-monooxygenase/tryptophan 5-monooxygenase activation protein gamma; minus strand). Cytogenetic location: 7q11.23.
Variant type: Duplication.
Identifiers: ClinVar variation 2425826 (VCV002425826.4).